The following is an entry in ClinVar:

NM_001008537.3(NEXMIF):c.4457+1G>A

Gene: NEXMIF (neurite extension and migration factor; minus strand). Cytogenetic location: Xq13.3.
Variant type: single nucleotide variant.
Coding change: c.4457+1G>A on transcript NM_001008537.3 (MANE Select); the canonical splice donor site of the intron after coding-DNA position 4457, G replaced by A.
Molecular consequence: splice donor variant.
Genome position (GRCh38, 1-based): chrX:74,740,099, C>T on the plus strand (G>A on the coding strand, the complement: NEXMIF is on the minus strand). VCF-style: chrX-74740099-C-T. GRCh37 (hg19) VCF-style: chrX-73959934-C-T.
Identifiers: ClinVar variation 1442117 (VCV001442117.8), dbSNP rs2147438629, ClinGen allele CA413663157.
Genomic context (GRCh38, chrX:74,740,099, plus strand): 5'-GCTTAGTAGGTAGTAGGAGAGCTAAGGGTGCATCATCTCAGCCATACTGGTGCAGTATTA[C>T]CTCAGTTTTTCAAAAGAAGCTGTCCCAGACTCATCCTTGTGGACCTGTTCTCGCTCCATG-3'

ClinVar aggregate classification (germline): Uncertain significance (1 of 4 stars; one submission).

Submission:

Labcorp Genetics (formerly Invitae), Labcorp
Classification: Uncertain significance. Last evaluated: 2024-01-24. Review status: criteria provided, single submitter. Criteria: Invitae Variant Classification Sherloc (09022015). Collection method: clinical testing. Allele origin: germline.
Comment: This sequence change affects a donor splice site in intron 3 of the NEXMIF gene. While this variant is not anticipated to result in nonsense mediated decay, it likely alters RNA splicing and results in a disrupted protein product. This variant is not present in population databases (gnomAD no frequency). This variant has not been reported in the literature in individuals affected with NEXMIF-related conditions. ClinVar contains an entry for this variant (Variation ID: 1442117). Variants that disrupt the consensus splice site are a relatively common cause of aberrant splicing (PMID: 17576681, 9536098). Algorithms developed to predict the effect of sequence changes on RNA splicing suggest that this variant may disrupt the consensus splice site. In summary, the available evidence is currently insufficient to determine the role of this variant in disease. Therefore, it has been classified as a Variant of Uncertain Significance.

Literature cited by the submitters: PubMed 17576681; PubMed 9536098.